The following is an entry in ClinVar:

NM_032271.3(TRAF7):c.1873C>G (p.Leu625Val)

Gene: TRAF7 (TNF receptor associated factor 7; plus strand). Cytogenetic location: 16p13.3.
Variant type: single nucleotide variant.
Coding change: c.1873C>G on transcript NM_032271.3 (MANE Select); coding-DNA position 1873, C replaced by G.
Protein change: p.Leu625Val; replaces leucine 625 with valine.
Molecular consequence: missense variant.
Genome position (GRCh38, 1-based): chr16:2,176,175, C>G. VCF-style: chr16-2176175-C-G. GRCh37 (hg19) VCF-style: chr16-2226176-C-G.
Other names: c.1873C>G (NM_032271.2); short protein forms L625V.
Identifiers: ClinVar variation 1098320 (VCV001098320.3), dbSNP rs2141298772, ClinGen allele CA394335867.

ClinVar aggregate classification (germline): Pathogenic/Likely pathogenic. Review status: criteria provided, multiple submitters, no conflicts (2 of 4 stars). 2 submissions from 2 submitters: Pathogenic (1); Likely pathogenic (1). Last evaluated 2023-08-26.

Submissions (2):

GeneDx
Classification: Pathogenic. Last evaluated: 2023-08-26. Review status: criteria provided, single submitter. Criteria: GeneDx Variant Classification Process June 2021. Collection method: clinical testing. Allele origin: germline. Affected: yes.
Comment: Not observed at significant frequency in large population cohorts (gnomAD); In silico analysis suggests that this missense variant does not alter protein structure/function, but splice predictors indicate that the variant may lead to abnormal gene splicing; This variant is associated with the following publications: (PMID: 32376980)

Genetics Laboratory, UDIAT-Centre Diagnòstic, Hospital Universitari Parc Tauli
Classification: Likely pathogenic. Last evaluated: 2021-04-26. Review status: criteria provided, single submitter. Criteria: Parc Tauli Hospital Assertion Criteria 2021. Collection method: clinical testing. Allele origin: de novo. Inheritance: Autosomal dominant inheritance. Affected: yes. Observed: 1 heterozygote.
Comment: PM2_supporting;PM6_moderate;PP2_supporting;PP3_supporting